The following is an entry in ClinVar:

ClinVar aggregate classification (germline): Conflicting classifications of pathogenicity. Review status: criteria provided, conflicting classifications (1 of 4 stars). 4 submissions from 4 submitters: Uncertain significance (1); Likely benign (3). Last evaluated 2025-02-16.

Conditions:
Inborn genetic diseases. Identifiers: MedGen C0950123, MeSH D030342.
Epilepsy, early-onset, with or without developmental delay. Identifiers: MedGen C5882670, MONDO:0030005, OMIM 618832.

Allele frequency attached by ClinVar (database versions not stated): gnomAD 0.00014 and 0.00015; TOPMed 0.00015; ESP Exome Variant Server 0.00016; gnomAD exomes 0.00016 and 0.00025; ExAC 0.00029.
gnomAD v4.1: 234 of 1,553,622 alleles (0.015%); highest among the groups gnomAD compares: Non-Finnish European, 0.018%; 2 homozygotes.

Submissions (7):

Laboratory of Genetics, Children's Clinical University Hospital Latvia
Classification: Likely benign. Last evaluated: 2025-02-16. Review status: criteria provided, single submitter. Criteria: ACMG Guidelines, 2015. Collection method: clinical testing. Allele origin: germline. Affected: yes.

CeGaT Center for Human Genetics Tuebingen
Classification: Likely benign. Last evaluated: 2023-07-01. Review status: criteria provided, single submitter. Criteria: CeGaT Center For Human Genetics Tuebingen Variant Classification Criteria Version 2. Collection method: clinical testing. Allele origin: germline. Affected: yes. Observed: 1 variant allele.
Comment: SETD1A: BP4

Ambry Genetics
Classification: Likely benign for Inborn genetic diseases. Last evaluated: 2022-01-15. Review status: criteria provided, single submitter. Criteria: Ambry Variant Classification Scheme 2023. Collection method: clinical testing. Allele origin: germline.

Centre for Mendelian Genomics, University Medical Centre Ljubljana
Classification: Uncertain significance for Epilepsy, early-onset, with or without developmental delay. Last evaluated: 2019-03-20. Review status: criteria provided, single submitter. Criteria: ACMG Guidelines, 2015. Collection method: clinical testing. Allele origin: unknown. Affected: yes.
Comment: This variant was classified as: Uncertain significance. The available evidence on this variant's pathogenicity is insufficient or conflicting. The following ACMG criteria were applied in classifying this variant: PP3.

Dr. Peter K. Rogan Lab, Western University
No classification provided (evidence only). Condition: Sarcoma. Review status: no classification provided. Collection method: in vitro. Allele origin: not applicable. Functional consequence: retained intron. Not counted in ClinVar's aggregate classification.

Dr. Peter K. Rogan Lab, Western University
No classification provided (evidence only). Condition: Sarcoma. Review status: no classification provided. Collection method: in vitro. Allele origin: not applicable. Functional consequence: retained intron. Not counted in ClinVar's aggregate classification.

Dr. Peter K. Rogan Lab, Western University
No classification provided (evidence only). Condition: Gastric cancer. Review status: no classification provided. Collection method: in vitro. Allele origin: not applicable. Functional consequence: retained intron. Not counted in ClinVar's aggregate classification.

NM_014712.3(SETD1A):c.3358+5G>A

Gene: SETD1A (SET domain containing 1A, histone lysine methyltransferase; plus strand). Cytogenetic location: 16p11.2.
Variant type: single nucleotide variant.
Coding change: c.3358+5G>A on transcript NM_014712.3 (MANE Select); 5 bases into the intron after coding-DNA position 3358, G replaced by A.
Molecular consequence: intron variant.
Genome position (GRCh38, 1-based): chr16:30,971,724, G>A. VCF-style: chr16-30971724-G-A. GRCh37 (hg19) VCF-style: chr16-30983045-G-A.
Other names: NC_000016.9:g.30983045G>A.
Identifiers: ClinVar variation 930684 (VCV000930684.32), dbSNP rs374206451, ClinGen allele CA8017235.